The following is an entry in ClinVar:

NM_020975.6(RET):c.2572A>G (p.Ile858Val)

Gene: RET (ret proto-oncogene; plus strand). Cytogenetic location: 10q11.21.
Variant type: single nucleotide variant.
Coding change: c.2572A>G on transcript NM_020975.6 (MANE Select); coding-DNA position 2572, A replaced by G.
Protein change: p.Ile858Val; replaces isoleucine 858 with valine.
Molecular consequence: missense variant.
Genome position (GRCh38, 1-based): chr10:43,119,710, A>G. VCF-style: chr10-43119710-A-G. GRCh37 (hg19) VCF-style: chr10-43615158-A-G.
Other names: c.2572A>G, p.Ile858Val (NM_000323.2, NM_001406743.1, NM_001406744.1 and 4 more transcripts); c.1810A>G, p.Ile604Val (NM_001355216.2); c.2443A>G, p.Ile815Val (NM_001406761.1, NM_001406762.1, NM_001406764.1); c.2437A>G, p.Ile813Val (NM_001406763.1, NM_001406765.1); c.2284A>G, p.Ile762Val (NM_001406766.1, NM_001406767.1, NM_001406770.1); c.2308A>G, p.Ile770Val (NM_001406768.1); c.2176A>G, p.Ile726Val (NM_001406769.1, NM_001406772.1); c.2134A>G, p.Ile712Val (NM_001406771.1, NM_001406773.1); and 10 more; short protein forms I423V, I519V, I528V, I559V, I712V, I762V, I770V, I516V.
Identifiers: ClinVar variation 2562602 (VCV002562602.2), dbSNP rs2132950391, ClinGen allele CA376556669.

ClinVar aggregate classification (germline): Uncertain significance (1 of 4 stars; one submission).

Conditions:
Hereditary cancer-predisposing syndrome. Also called: Neoplastic Syndromes, Hereditary; Hereditary Cancer Syndrome; Hereditary neoplastic syndrome; Tumor predisposition. Identifiers: Orphanet 140162, MedGen C0027672, MeSH D009386, MONDO:0015356.

Submission:

Ambry Genetics
Classification: Uncertain significance for Hereditary cancer-predisposing syndrome. Last evaluated: 2023-04-12. Review status: criteria provided, single submitter. Criteria: Ambry Variant Classification Scheme 2023. Collection method: clinical testing. Allele origin: germline.
Comment: The p.I858V variant (also known as c.2572A>G), located in coding exon 14 of the RET gene, results from an A to G substitution at nucleotide position 2572. The isoleucine at codon 858 is replaced by valine, an amino acid with highly similar properties. This amino acid position is highly conserved in available vertebrate species. In addition, the in silico prediction for this alteration is inconclusive. Since supporting evidence is limited at this time, the clinical significance of this alteration remains unclear.